The following is an entry in ClinVar:

ClinVar aggregate classification (germline): Pathogenic (1 of 4 stars; one submission).

Conditions:
Early-infantile DEE. Also called: Ohtahara syndrome; Early infantile epileptic encephalopathy with suppression bursts; Early infantile epileptic encephalopathy. Identifiers: Orphanet 1934, MedGen C0393706, MONDO:0800491.

Submission:

Labcorp Genetics (formerly Invitae), Labcorp
Classification: Pathogenic for Early-infantile DEE. Last evaluated: 2020-06-06. Review status: criteria provided, single submitter. Criteria: Invitae Variant Classification Sherloc (09022015). Collection method: clinical testing. Allele origin: germline.
Comment: This sequence change affects a donor splice site in intron 16 of the SCN1A gene. It is expected to disrupt RNA splicing and likely results in an absent or disrupted protein product. This variant is not present in population databases (ExAC no frequency). Disruption of this splice site has been observed in individual(s) with SCN1A-related conditions (PMID: 21248271, Invitae). Algorithms developed to predict the effect of sequence changes on RNA splicing suggest that this variant may disrupt the consensus splice site, but this prediction has not been confirmed by published transcriptional studies. Donor and acceptor splice site variants typically lead to a loss of protein function (PMID: 16199547), and loss-of-function variants in SCN1A are known to be pathogenic (PMID: 17347258, 18930999). For these reasons, this variant has been classified as Pathogenic.

Literature cited by the submitters: PubMed 21248271; PubMed 16199547; PubMed 17347258; PubMed 18930999.

NM_001165963.4(SCN1A):c.3429+1G>A

Genes: SCN1A (sodium voltage-gated channel alpha subunit 1; minus strand), LOC102724058 (uncharacterized LOC102724058; plus strand). Cytogenetic location: 2q24.3.
Variant type: single nucleotide variant.
Coding change: c.3429+1G>A on transcript NM_001165963.4 (MANE Select); the canonical splice donor site of the intron after coding-DNA position 3429, G replaced by A.
Molecular consequence: splice donor variant.
Genome position (GRCh38, 1-based): chr2:166,036,047, C>T on the plus strand (G>A on the coding strand, the complement: SCN1A is on the minus strand). VCF-style: chr2-166036047-C-T. GRCh37 (hg19) VCF-style: chr2-166892557-C-T.
Other names: c.3396+1G>A (NM_001353949.2, NM_001353950.2, NM_001353951.2 and 2 more transcripts); c.3345+1G>A (NM_001353958.2, NM_001353957.2, NM_001165964.3); c.3429+1G>A (NM_001202435.3, NM_001353948.2); c.3393+1G>A (NM_001353955.2, NM_001353954.2); c.3342+1G>A (NM_001353960.2); c.987+1G>A (NM_001353961.2).
Identifiers: ClinVar variation 1076862 (VCV001076862.10), dbSNP rs1574166948, ClinGen allele CA349058954.